The following is an entry in ClinVar:

ClinVar aggregate classification (germline): Uncertain significance. Review status: criteria provided, multiple submitters, no conflicts (2 of 4 stars). 2 submissions from 2 submitters: Uncertain significance (2). Last evaluated 2023-06-21.

Conditions:
Primary ciliary dyskinesia 19. Also called: CILIARY DYSKINESIA, PRIMARY, 19, WITH OR WITHOUT SITUS INVERSUS. Identifiers: Orphanet 244, MedGen C3543826, MONDO:0013979, OMIM 614935.
Primary ciliary dyskinesia. Also called: Ciliary dyskinesia. Identifiers: Orphanet 244, MedGen C0008780, MONDO:0016575, HP:0012265.

Allele frequency attached by ClinVar (database versions not stated): ExAC 0.00002; gnomAD exomes 0.00002; gnomAD 0.00006 and 0.00009; TOPMed 0.00006.

Submissions (2):

Ambry Genetics
Classification: Uncertain significance for Primary ciliary dyskinesia. Last evaluated: 2023-06-21. Review status: criteria provided, single submitter. Criteria: Ambry Variant Classification Scheme 2023. Collection method: clinical testing. Allele origin: germline.
Comment: The p.H114Y variant (also known as c.340C>T), located in coding exon 4 of the LRRC6 gene, results from a C to T substitution at nucleotide position 340. The histidine at codon 114 is replaced by tyrosine, an amino acid with similar properties. This amino acid position is conserved. In addition, this alteration is predicted to be tolerated by in silico analysis. Since supporting evidence is limited at this time, the clinical significance of this alteration remains unclear.

Labcorp Genetics (formerly Invitae), Labcorp
Classification: Uncertain significance for Ciliary dyskinesia, primary, 19. Last evaluated: 2019-10-18. Review status: criteria provided, single submitter. Criteria: Invitae Variant Classification Sherloc (09022015). Collection method: clinical testing. Allele origin: germline.
Comment: This sequence change replaces histidine with tyrosine at codon 114 of the LRRC6 protein (p.His114Tyr). The histidine residue is moderately conserved and there is a moderate physicochemical difference between histidine and tyrosine. This variant is present in population databases (rs759237359, ExAC 0.03%). This variant has not been reported in the literature in individuals with LRRC6-related conditions. Algorithms developed to predict the effect of missense changes on protein structure and function are either unavailable or do not agree on the potential impact of this missense change (SIFT: "Deleterious"; PolyPhen-2: "Benign"; Align-GVGD: "Class C0"). In summary, the available evidence is currently insufficient to determine the role of this variant in disease. Therefore, it has been classified as a Variant of Uncertain Significance.

NM_012472.6(DNAAF11):c.340C>T (p.His114Tyr)

Gene: DNAAF11 (dynein axonemal assembly factor 11; minus strand). Cytogenetic location: 8q24.22.
Variant type: single nucleotide variant.
Coding change: c.340C>T on transcript NM_012472.6 (MANE Select); coding-DNA position 340, C replaced by T.
Protein change: p.His114Tyr; replaces histidine 114 with tyrosine.
Molecular consequence: missense variant. On other transcripts: 5 prime UTR variant (4), non-coding transcript variant (10).
Genome position (GRCh38, 1-based): chr8:132,638,024, G>A on the plus strand (C>T on the coding strand, the complement: DNAAF11 is on the minus strand). VCF-style: chr8-132638024-G-A. GRCh37 (hg19) VCF-style: chr8-133650270-G-A.
Other names: c.340C>T, p.His114Tyr (NM_001321961.2); c.94C>T, p.His32Tyr (NM_001321962.2); c.-21C>T (NM_001321963.2, NM_001321964.2, NM_001321965.2 and 1 more transcripts); c.340C>T (NM_012472.3); short protein forms H114Y, H32Y.
Identifiers: ClinVar variation 964732 (VCV000964732.3), dbSNP rs759237359, ClinGen allele CA4881404.
Genomic context (GRCh38, chr8:132,638,024, plus strand): 5'-ACTCCCTATAGTGGTCAAAGGAAGCACATGGGTTCCCCATGAGAAAGAGCTCCTTCAGAT[G>A]GATATTGTGCTGCAAGTTTTTAATGCTGCTCAGCTCTCCAATGAAATTCACAGTCAGGTC-3'
Protein context (NP_036604.2, residues 104-124): SSIKNLQHNI[His114Tyr]LKELFLMGNP